The following is an entry in ClinVar:

ClinVar aggregate classification (germline): Uncertain significance. Review status: criteria provided, multiple submitters, no conflicts (2 of 4 stars). 2 submissions from 2 submitters: Uncertain significance (2). Last evaluated 2025-11-24.

Conditions:
Joubert syndrome. Also called: CEREBELLOPARENCHYMAL DISORDER IV; JOUBERT-BOLTSHAUSER SYNDROME; Familial aplasia of the vermis. Identifiers: Orphanet 475, MedGen C5979921, MONDO:0018772.
Orofaciodigital syndrome I (OFD1). Also called: OFDS I; Oral-Facial-Digital Syndrome Type I; Papillon-Leage and Psaume Syndrome. Identifiers: Orphanet 2750, MedGen C1510460, MONDO:0010702, OMIM 311200.

Submissions (2):

Labcorp Genetics (formerly Invitae), Labcorp
Classification: Uncertain significance for Orofaciodigital syndrome I; Joubert syndrome. Last evaluated: 2025-11-24. Review status: criteria provided, single submitter. Criteria: Invitae Variant Classification Sherloc (09022015). Collection method: clinical testing. Allele origin: germline.
Comment: This sequence change creates a premature translational stop signal (p.Ser323Alafs*2) in the OFD1 gene. However, it is currently unclear if variants that occur in this region of the gene cause disease. This variant is present in population databases (rs780268478, gnomAD 0.008%). This variant has not been reported in the literature in individuals affected with OFD1-related conditions. ClinVar contains an entry for this variant (Variation ID: 280511). In summary, the available evidence is currently insufficient to determine the role of this variant in disease. Therefore, it has been classified as a Variant of Uncertain Significance.

GeneDx
Classification: Uncertain significance. Last evaluated: 2023-02-06. Review status: criteria provided, single submitter. Criteria: GeneDx Variant Classification Process June 2021. Collection method: clinical testing. Allele origin: germline. Affected: yes.
Comment: Frameshift variant predicted to result in protein truncation or nonsense mediated decay in a gene or region of a gene for which loss of function is not a well-established mechanism of disease; Has not been previously published as pathogenic or benign to our knowledge

NM_003611.3(OFD1):c.967del (p.Ser323fs)

Gene: OFD1 (OFD1 centriole and centriolar satellite protein; plus strand). Cytogenetic location: Xp22.2.
Variant type: Deletion.
Coding change: c.967del on transcript NM_003611.3 (MANE Select); coding-DNA position 967, one base deleted (A; older notation c.967delA).
Protein change: p.Ser323fs; shifts the reading frame from serine 323.
Molecular consequence: frameshift variant. On other transcripts: intron variant (1).
Genome position (GRCh38, 1-based): chrX:13,751,280, A deleted; the last of 4 consecutive A bases (chrX:13,751,277-13,751,280); deleting any one gives the same sequence. VCF-style (leftmost placement, unchanged base first): chrX-13751276-TA-T. GRCh37 (hg19) VCF-style: chrX-13769395-TA-T.
Other names: c.547del, p.Ser183fs (NM_001330210.2); c.935+1747del (NM_001330209.2); c.967delA (NM_003611.2); short protein forms S323fs, S183fs.
Identifiers: ClinVar variation 280511 (VCV000280511.14), dbSNP rs780268478, ClinGen allele CA10351724.